The following is an entry in ClinVar:

ClinVar aggregate classification (germline): Uncertain significance. Review status: criteria provided, multiple submitters, no conflicts (2 of 4 stars). 2 submissions from 2 submitters: Uncertain significance (2). Last evaluated 2025-04-29.

Conditions:
Gorlin syndrome. Also called: Nevoid Basal Cell Carcinoma Syndrome; Basal cell nevus syndrome. Identifiers: Orphanet 377, MedGen C0004779, MONDO:0007187.
Medulloblastoma (MDB). Also called: Medulloblastoma, somatic; MEDULLOBLASTOMA PREDISPOSITION SYNDROME. Identifiers: Orphanet 616, MedGen C0025149, MeSH D008527, MONDO:0007959, OMIM 155255, HP:0002885.
Hereditary cancer-predisposing syndrome. Also called: Hereditary Cancer Syndrome; Neoplastic Syndromes, Hereditary; Hereditary neoplastic syndrome; Tumor predisposition. Identifiers: Orphanet 140162, MedGen C0027672, MeSH D009386, MONDO:0015356.

Allele frequency attached by ClinVar (database versions not stated): gnomAD exomes below 0.00001.
gnomAD v4.1: 2 of 1,614,212 alleles (0.00012%); highest among the groups gnomAD compares: Non-Finnish European, 0.00017%; no homozygotes.

Submissions (2):

Labcorp Genetics (formerly Invitae), Labcorp
Classification: Uncertain significance for Gorlin syndrome; Medulloblastoma. Last evaluated: 2025-04-29. Review status: criteria provided, single submitter. Criteria: Invitae Variant Classification Sherloc (09022015). Collection method: clinical testing. Allele origin: germline.
Comment: This sequence change replaces arginine, which is basic and polar, with lysine, which is basic and polar, at codon 75 of the SUFU protein (p.Arg75Lys). This variant is present in population databases (no rsID available, gnomAD 0.0009%). This variant has not been reported in the literature in individuals affected with SUFU-related conditions. ClinVar contains an entry for this variant (Variation ID: 820962). Invitae Evidence Modeling of protein sequence and biophysical properties (such as structural, functional, and spatial information, amino acid conservation, physicochemical variation, residue mobility, and thermodynamic stability) indicates that this missense variant is not expected to disrupt SUFU protein function with a negative predictive value of 80%. In summary, the available evidence is currently insufficient to determine the role of this variant in disease. Therefore, it has been classified as a Variant of Uncertain Significance.

Ambry Genetics
Classification: Uncertain significance for Hereditary cancer-predisposing syndrome. Last evaluated: 2023-11-13. Review status: criteria provided, single submitter. Criteria: Ambry Variant Classification Scheme 2023. Collection method: clinical testing. Allele origin: germline.
Comment: The p.R75K variant (also known as c.224G>A), located in coding exon 2 of the SUFU gene, results from a G to A substitution at nucleotide position 224. The arginine at codon 75 is replaced by lysine, an amino acid with highly similar properties. This amino acid position is highly conserved in available vertebrate species. In addition, the in silico prediction for this alteration is inconclusive. Since supporting evidence is limited at this time, the clinical significance of this alteration remains unclear.

NM_016169.4(SUFU):c.224G>A (p.Arg75Lys)

Gene: SUFU (SUFU negative regulator of hedgehog signaling; plus strand). Cytogenetic location: 10q24.32.
Variant type: single nucleotide variant.
Coding change: c.224G>A on transcript NM_016169.4 (MANE Select); coding-DNA position 224, G replaced by A.
Protein change: p.Arg75Lys; replaces arginine 75 with lysine.
Molecular consequence: missense variant.
Genome position (GRCh38, 1-based): chr10:102,509,210, G>A. VCF-style: chr10-102509210-G-A. GRCh37 (hg19) VCF-style: chr10-104268967-G-A.
Other names: c.224G>A, p.Arg75Lys (NM_001178133.2); short protein forms R75K.
Identifiers: ClinVar variation 820962 (VCV000820962.6), dbSNP rs1290561880, ClinGen allele CA377888496.